The following is an entry in ClinVar:

NM_000263.4(NAGLU):c.220dup (p.Arg74fs)

Genes: NAGLU (N-acetyl-alpha-glucosaminidase; plus strand), LOC130060903 (ATAC-STARR-seq lymphoblastoid silent region 8533; plus strand). Cytogenetic location: 17q21.2.
Variant type: Duplication.
Coding change: c.220dup on transcript NM_000263.4 (MANE Select); coding-DNA position 220, one base duplicated (C; older notation c.220dupC).
Protein change: p.Arg74fs; shifts the reading frame from arginine 74.
Molecular consequence: frameshift variant.
Genome position (GRCh38, 1-based): chr17:42,536,492, C duplicated. VCF-style (leftmost placement, unchanged base first): chr17-42536491-G-GC. GRCh37 (hg19) VCF-style: chr17-40688509-G-GC.
Other names: c.220dup (NM_000263.3); c.220dupC (NM_000263.3); short protein forms R74fs.
Identifiers: ClinVar variation 554243 (VCV000554243.6), dbSNP rs1555621448, ClinGen allele CA658823945.

ClinVar aggregate classification (germline): Pathogenic. Review status: criteria provided, multiple submitters, no conflicts (2 of 4 stars). 3 submissions from 3 submitters: Pathogenic (2). 1 of the submissions does not count toward it. Last evaluated 2024-03-22.

Conditions:
Mucopolysaccharidosis, MPS-III-B (MPS3B). Also called: SANFILIPPO SYNDROME B; MPS III B; MUCOPOLYSACCHARIDOSIS, TYPE IIIB; Mucopolysaccharidosis type IIIB (Sanfilippo B); MPS IIIB (Sanfilippo Syndrome Type B); N-ACETYL-ALPHA-D-GLUCOSAMINIDASE DEFICIENCY. Identifiers: Orphanet 79270, MedGen C0086648, MONDO:0009656, OMIM 252920.
Charcot-Marie-Tooth disease axonal type 2V. Also called: CHARCOT-MARIE-TOOTH NEUROPATHY, TYPE 2V; CHARCOT-MARIE-TOOTH DISEASE, AXONAL, AUTOSOMAL DOMINANT, TYPE 2V. Identifiers: Orphanet 447964, MedGen C5569050, MONDO:0014665, OMIM 616491.

Allele frequency attached by ClinVar (database versions not stated): TOPMed below 0.00001.

Submissions (3):

Labcorp Genetics (formerly Invitae), Labcorp
Classification: Pathogenic for Charcot-Marie-Tooth disease axonal type 2V; Mucopolysaccharidosis, MPS-III-B. Last evaluated: 2024-03-22. Review status: criteria provided, single submitter. Criteria: Invitae Variant Classification Sherloc (09022015). Collection method: clinical testing. Allele origin: germline.
Comment: This sequence change creates a premature translational stop signal (p.Arg74Profs*118) in the NAGLU gene. It is expected to result in an absent or disrupted protein product. Loss-of-function variants in NAGLU are known to be pathogenic (PMID: 9832037, 10094189, 16151907). This variant is not present in population databases (gnomAD no frequency). This premature translational stop signal has been observed in individual(s) with mucopolysaccharidosis type III B (PMID: 11286389). This variant is also known as 220insC. ClinVar contains an entry for this variant (Variation ID: 554243). For these reasons, this variant has been classified as Pathogenic.

GeneDx
Classification: Pathogenic. Last evaluated: 2023-08-04. Review status: criteria provided, single submitter. Criteria: GeneDx Variant Classification Process June 2021. Collection method: clinical testing. Allele origin: germline. Affected: yes.
Comment: Frameshift variant predicted to result in protein truncation or nonsense mediated decay in a gene for which loss-of-function is a known mechanism of disease; Not observed at significant frequency in large population cohorts (gnomAD); This variant is associated with the following publications: (PMID: 11286389)

Counsyl
Classification: Likely pathogenic for Mucopolysaccharidosis, MPS-III-B. Last evaluated: 2017-10-02. Review status: no assertion criteria provided. Collection method: clinical testing. Allele origin: unknown. Not counted in ClinVar's aggregate classification.

Literature cited by the submitters: PubMed 9832037 (cited by Labcorp Genetics (formerly Invitae), Labcorp); PubMed 10094189 (cited by Labcorp Genetics (formerly Invitae), Labcorp); PubMed 16151907 (cited by Labcorp Genetics (formerly Invitae), Labcorp); PubMed 11286389 (cited by Labcorp Genetics (formerly Invitae), Labcorp and Counsyl).